The following is an entry in ClinVar:

ClinVar aggregate classification (germline): Benign/Likely benign. Review status: criteria provided, multiple submitters, no conflicts (2 of 4 stars). 3 submissions from 3 submitters: Benign (1); Likely benign (2). Last evaluated 2025-06-03.

Conditions:
Hereditary cancer-predisposing syndrome. Also called: Hereditary neoplastic syndrome; Tumor predisposition; Neoplastic Syndromes, Hereditary; Hereditary Cancer Syndrome. Identifiers: Orphanet 140162, MedGen C0027672, MeSH D009386, MONDO:0015356.
Tuberous sclerosis 2 (TSC2). Identifiers: Orphanet 805, MedGen C1860707, MONDO:0013199, OMIM 613254.

Allele frequency attached by ClinVar (database versions not stated): gnomAD exomes below 0.00001.
gnomAD v4.1: 1 of 1,609,468 alleles (0.000062%); highest among the groups gnomAD compares: Non-Finnish European, 0.000085%; no homozygotes.

Submissions (3):

Myriad Genetics, Inc.
Classification: Benign for Tuberous sclerosis 2. Last evaluated: 2025-06-03. Review status: criteria provided, single submitter. Criteria: Myriad Autosomal Dominant, Autosomal Recessive and X-Linked Classification Criteria (2023). Collection method: clinical testing. Allele origin: unknown.
Comment: This variant is considered benign. This variant is a silent/synonymous amino acid change and it is not expected to impact splicing.

Ambry Genetics
Classification: Likely benign for Hereditary cancer-predisposing syndrome. Last evaluated: 2023-11-10. Review status: criteria provided, single submitter. Criteria: Ambry Variant Classification Scheme 2023. Collection method: clinical testing. Allele origin: germline.

Labcorp Genetics (formerly Invitae), Labcorp
Classification: Likely benign for Tuberous sclerosis 2. Last evaluated: 2020-06-17. Review status: criteria provided, single submitter. Criteria: Invitae Variant Classification Sherloc (09022015). Collection method: clinical testing. Allele origin: germline.

NM_000548.5(TSC2):c.4257G>A (p.Gln1419=)

Gene: TSC2 (TSC complex subunit 2; plus strand). Cytogenetic location: 16p13.3.
Variant type: single nucleotide variant.
Coding change: c.4257G>A on transcript NM_000548.5 (MANE Select); coding-DNA position 4257, G replaced by A.
Protein change: p.Gln1419=; no amino-acid change (glutamine 1419 retained).
Molecular consequence: synonymous variant.
Genome position (GRCh38, 1-based): chr16:2,084,479, G>A. VCF-style: chr16-2084479-G-A. GRCh37 (hg19) VCF-style: chr16-2134480-G-A.
Other names: c.4056G>A, p.Gln1352= (NM_001077183.3); c.4188G>A, p.Gln1396= (NM_001114382.3); c.3948G>A, p.Gln1316= (NM_001318827.2); c.3912G>A, p.Gln1304= (NM_001318829.2); c.3525G>A, p.Gln1175= (NM_001318831.2); c.4089G>A, p.Gln1363= (NM_001318832.2); c.4059G>A, p.Gln1353= (NM_001363528.2); c.4125G>A, p.Gln1375= (NM_001370404.1); and 2 more.
Identifiers: ClinVar variation 1140823 (VCV001140823.11), dbSNP rs1403321543, ClinGen allele CA493043378.